The following is an entry in ClinVar:

ClinVar aggregate classification (germline): Uncertain significance (1 of 4 stars; one submission).

Submission:

Labcorp Genetics (formerly Invitae), Labcorp
Classification: Uncertain significance. Last evaluated: 2025-04-07. Review status: criteria provided, single submitter. Criteria: Invitae Variant Classification Sherloc (09022015). Collection method: clinical testing. Allele origin: germline.
Comment: This sequence change replaces isoleucine, which is neutral and non-polar, with valine, which is neutral and non-polar, at codon 174 of the EFEMP1 protein (p.Ile174Val). This variant is not present in population databases (gnomAD no frequency). This variant has not been reported in the literature in individuals affected with EFEMP1-related conditions. ClinVar contains an entry for this variant (Variation ID: 3677792). An algorithm developed to predict the effect of missense changes on protein structure and function (PolyPhen-2) suggests that this variant is likely to be tolerated. In summary, the available evidence is currently insufficient to determine the role of this variant in disease. Therefore, it has been classified as a Variant of Uncertain Significance.

NM_001039348.3(EFEMP1):c.520A>G (p.Ile174Val)

Gene: EFEMP1 (EGF-like fibulin extracellular matrix protein 1; minus strand). Cytogenetic location: 2p16.1.
Variant type: single nucleotide variant.
Coding change: c.520A>G on transcript NM_001039348.3 (MANE Select); coding-DNA position 520, A replaced by G.
Protein change: p.Ile174Val; replaces isoleucine 174 with valine.
Molecular consequence: missense variant.
Genome position (GRCh38, 1-based): chr2:55,881,732, T>C on the plus strand (A>G on the coding strand, the complement: EFEMP1 is on the minus strand). VCF-style: chr2-55881732-T-C. GRCh37 (hg19) VCF-style: chr2-56108867-T-C.
Other names: c.520A>G, p.Ile174Val (NM_001039349.3); short protein forms I174V.
Identifiers: ClinVar variation 3677792 (VCV003677792.2).